The following is an entry in ClinVar:

NM_003743.5(NCOA1):c.13G>A (p.Gly5Arg)

Gene: NCOA1 (nuclear receptor coactivator 1; plus strand). Cytogenetic location: 2p23.3.
Variant type: single nucleotide variant.
Coding change: c.13G>A on transcript NM_003743.5 (MANE Select); coding-DNA position 13, G replaced by A.
Protein change: p.Gly5Arg; replaces glycine 5 with arginine.
Molecular consequence: missense variant.
Genome position (GRCh38, 1-based): chr2:24,658,690, G>A. VCF-style: chr2-24658690-G-A. GRCh37 (hg19) VCF-style: chr2-24881559-G-A.
Other names: c.13G>A, p.Gly5Arg (NM_001362950.1, NM_001362952.1, NM_001362954.1 and 3 more transcripts); short protein forms G5R.
Identifiers: ClinVar variation 3351115 (VCV003351115.1).

ClinVar aggregate classification (germline): Uncertain significance (0 of 4 stars; one submission).

Conditions:
NCOA1-related disorder. Also called: NCOA1-related condition.

gnomAD v4.1: 53 of 1,613,816 alleles (0.0033%); highest among the groups gnomAD compares: Non-Finnish European, 0.0041%; no homozygotes.

Submission:

PreventionGenetics, part of Exact Sciences
Classification: Uncertain significance for NCOA1-related condition. Last evaluated: 2024-04-09. Review status: no assertion criteria provided. Collection method: clinical testing. Allele origin: germline.
Comment: The NCOA1 c.13G>A variant is predicted to result in the amino acid substitution p.Gly5Arg. To our knowledge, this variant has not been reported in the literature in affected individuals. This variant is reported in 0.0040% of alleles in individuals of African descent in gnomAD. At this time, the clinical significance of this variant is uncertain due to the absence of conclusive functional and genetic evidence.